The following is an entry in ClinVar:

ClinVar aggregate classification (germline): Likely benign (0 of 4 stars; one submission).

Conditions:
DNAH2-related disorder. Also called: DNAH2-related condition.

Allele frequency attached by ClinVar (database versions not stated): gnomAD 0.00001; TOPMed 0.00002; ExAC 0.00004; gnomAD exomes 0.00004.
gnomAD v4.1: 65 of 1,614,064 alleles (0.004%); highest among the groups gnomAD compares: South Asian, 0.013%; 1 homozygote.

Submission:

PreventionGenetics, part of Exact Sciences
Classification: Likely benign for DNAH2-related condition. Last evaluated: 2019-04-24. Review status: no assertion criteria provided. Collection method: clinical testing. Allele origin: germline.
Comment: This variant is classified as likely benign based on ACMG/AMP sequence variant interpretation guidelines (Richards et al. 2015 PMID: 25741868, with internal and published modifications).

NM_020877.5(DNAH2):c.3021C>T (p.Val1007=)

Gene: DNAH2 (dynein axonemal heavy chain 2; plus strand). Cytogenetic location: 17p13.1.
Variant type: single nucleotide variant.
Coding change: c.3021C>T on transcript NM_020877.5 (MANE Select); coding-DNA position 3021, C replaced by T.
Protein change: p.Val1007=; no amino-acid change (valine 1007 retained).
Molecular consequence: synonymous variant.
Genome position (GRCh38, 1-based): chr17:7,763,873, C>T. VCF-style: chr17-7763873-C-T. GRCh37 (hg19) VCF-style: chr17-7667191-C-T.
Identifiers: ClinVar variation 3052059 (VCV003052059.2), dbSNP rs200002695, ClinGen allele CA8356641.